The following is an entry in ClinVar:

NM_002691.4(POLD1):c.1524G>T (p.Leu508=)

Gene: POLD1 (DNA polymerase delta 1, catalytic subunit; plus strand). Cytogenetic location: 19q13.33.
Variant type: single nucleotide variant.
Coding change: c.1524G>T on transcript NM_002691.4 (MANE Select); coding-DNA position 1524, G replaced by T.
Protein change: p.Leu508=; no amino-acid change (leucine 508 retained).
Molecular consequence: synonymous variant. On other transcripts: non-coding transcript variant (1).
Genome position (GRCh38, 1-based): chr19:50,407,012, G>T. VCF-style: chr19-50407012-G-T. GRCh37 (hg19) VCF-style: chr19-50910269-G-T.
Other names: c.1524G>T, p.Leu508= (NM_001256849.1, NM_001308632.1); c.1524G>T (NM_002691.3).
Identifiers: ClinVar variation 819451 (VCV000819451.13), dbSNP rs1601219069, ClinGen allele CA508183962.
Genomic context (GRCh38, chr19:50,407,012, plus strand): 5'-GGTCCCTGACCCCATCCGTGCCCATCCCCAGAATGGGAACGACCAGACCCGCCGCCGCCT[G>T]GCTGTGTACTGCCTGAAGGATGCCTACCTGCCACTGCGGCTGCTGGAGCGGCTCATGGTG-3'
Protein context (NP_002682.2, residues 498-518): QNGNDQTRRR[Leu508=]AVYCLKDAYL

ClinVar aggregate classification (germline): Conflicting classifications of pathogenicity. Review status: criteria provided, conflicting classifications (1 of 4 stars). 3 submissions from 3 submitters: Uncertain significance (1); Likely benign (2). Last evaluated 2023-09-19.

Conditions:
Hereditary cancer-predisposing syndrome. Also called: Hereditary Cancer Syndrome; Hereditary neoplastic syndrome; Neoplastic Syndromes, Hereditary; Tumor predisposition. Identifiers: Orphanet 140162, MedGen C0027672, MeSH D009386, MONDO:0015356.
POLD1-related polyposis and colorectal cancer syndrome (CRCS10). Also called: Colorectal cancer, susceptibility to, 10; Colorectal cancer 10; COLORECTAL CANCER, SUSCEPTIBILITY TO, ON CHROMOSOME 19q. Identifiers: Orphanet 220460, MedGen C2675481, MONDO:0012953, OMIM 612591.

Submissions (3):

GeneDx
Classification: Uncertain significance. Last evaluated: 2023-09-19. Review status: criteria provided, single submitter. Criteria: GeneDx Variant Classification Process June 2021. Collection method: clinical testing. Allele origin: germline. Affected: yes.
Comment: Not observed at significant frequency in large population cohorts (gnomAD); In silico analysis supports that this variant does not alter splicing; Has not been previously published as pathogenic or benign to our knowledge

Labcorp Genetics (formerly Invitae), Labcorp
Classification: Likely benign for POLD1-related polyposis and colorectal cancer syndrome. Last evaluated: 2020-12-15. Review status: criteria provided, single submitter. Criteria: Invitae Variant Classification Sherloc (09022015). Collection method: clinical testing. Allele origin: germline.

Ambry Genetics
Classification: Likely benign for Hereditary cancer-predisposing syndrome. Last evaluated: 2019-09-22. Review status: criteria provided, single submitter. Criteria: Ambry Variant Classification Scheme 2023. Collection method: clinical testing. Allele origin: germline.